The following is an entry in ClinVar:

NM_015909.4(NBAS):c.2914A>G (p.Ile972Val)

Gene: NBAS (NBAS subunit of NRZ tethering complex; minus strand). Cytogenetic location: 2p24.3.
Variant type: single nucleotide variant.
Coding change: c.2914A>G on transcript NM_015909.4 (MANE Select); coding-DNA position 2914, A replaced by G.
Protein change: p.Ile972Val; replaces isoleucine 972 with valine.
Molecular consequence: missense variant. On other transcripts: non-coding transcript variant (1).
Genome position (GRCh38, 1-based): chr2:15,415,569, T>C on the plus strand (A>G on the coding strand, the complement: NBAS is on the minus strand). VCF-style: chr2-15415569-T-C. GRCh37 (hg19) VCF-style: chr2-15555693-T-C.
Other names: short protein forms I972V.
Identifiers: ClinVar variation 3622689 (VCV003622689.1).
Genomic context (GRCh38, chr2:15,415,569, plus strand): 5'-AAGTGCCCAGAATTTTAAGAAGTTAGTTTCTACTTACATCTGGTTTGGAATGCTGAAATA[T>C]CTTCAGGGGAAATTTTAAGTCCCCTTTAGCTAAAGTTACTAAATATTCTTTTAATAGCTC-3'
Protein context (NP_056993.2, residues 962-982): AKGDLKFPLK[Ile972Val]FQHSKPDLQQ

ClinVar aggregate classification (germline): Uncertain significance (1 of 4 stars; one submission).

gnomAD v4.1: 4 of 1,614,036 alleles (0.00025%); highest among the groups gnomAD compares: East Asian, 0.0089%; no homozygotes.

Submission:

Labcorp Genetics (formerly Invitae), Labcorp
Classification: Uncertain significance. Last evaluated: 2024-11-19. Review status: criteria provided, single submitter. Criteria: Invitae Variant Classification Sherloc (09022015). Collection method: clinical testing. Allele origin: germline.
Comment: This sequence change replaces isoleucine, which is neutral and non-polar, with valine, which is neutral and non-polar, at codon 972 of the NBAS protein (p.Ile972Val). This variant is present in population databases (rs762608087, gnomAD 0.01%). This variant has not been reported in the literature in individuals affected with NBAS-related conditions. Invitae Evidence Modeling of protein sequence and biophysical properties (such as structural, functional, and spatial information, amino acid conservation, physicochemical variation, residue mobility, and thermodynamic stability) indicates that this missense variant is not expected to disrupt NBAS protein function with a negative predictive value of 95%. In summary, the available evidence is currently insufficient to determine the role of this variant in disease. Therefore, it has been classified as a Variant of Uncertain Significance.